The following is an entry in ClinVar:

ClinVar aggregate classification (germline): Uncertain significance (1 of 4 stars; one submission).

Conditions:
Hereditary spastic paraplegia 31. Also called: SPASTIC PARAPLEGIA 31, AUTOSOMAL DOMINANT. Identifiers: Orphanet 101011, MedGen C1853247, MONDO:0012453, OMIM 610250.

Allele frequency attached by ClinVar (database versions not stated): gnomAD exomes below 0.00001; TOPMed 0.00001.
gnomAD v4.1: 1 of 1,614,076 alleles (0.000062%); highest among the groups gnomAD compares: Non-Finnish European, 0.000085%; no homozygotes.

Submission:

Labcorp Genetics (formerly Invitae), Labcorp
Classification: Uncertain significance for Hereditary spastic paraplegia 31. Last evaluated: 2023-04-11. Review status: criteria provided, single submitter. Criteria: Invitae Variant Classification Sherloc (09022015). Collection method: clinical testing. Allele origin: germline.
Comment: In summary, the available evidence is currently insufficient to determine the role of this variant in disease. Therefore, it has been classified as a Variant of Uncertain Significance. An algorithm developed to predict the effect of missense changes on protein structure and function (PolyPhen-2) suggests that this variant is likely to be tolerated. This variant has not been reported in the literature in individuals affected with REEP1-related conditions. This variant is not present in population databases (gnomAD no frequency). This sequence change replaces serine, which is neutral and polar, with glycine, which is neutral and non-polar, at codon 114 of the REEP1 protein (p.Ser114Gly).

NM_001371279.1(REEP1):c.340A>G (p.Ser114Gly)

Gene: REEP1 (receptor accessory protein 1; minus strand). Cytogenetic location: 2p11.2.
Variant type: single nucleotide variant.
Coding change: c.340A>G on transcript NM_001371279.1 (MANE Select); coding-DNA position 340, A replaced by G.
Protein change: p.Ser114Gly; replaces serine 114 with glycine.
Molecular consequence: missense variant. On other transcripts: intron variant (1).
Genome position (GRCh38, 1-based): chr2:86,252,034, T>C on the plus strand (A>G on the coding strand, the complement: REEP1 is on the minus strand). VCF-style: chr2-86252034-T-C. GRCh37 (hg19) VCF-style: chr2-86479157-T-C.
Other names: c.361A>G, p.Ser121Gly (NM_001164730.2); c.259A>G, p.Ser87Gly (NM_001164731.2); c.340A>G, p.Ser114Gly (NM_001371280.1, NM_001410855.1, NM_001410856.1 and 1 more transcripts); c.182+11931A>G (NM_001164732.2); short protein forms S114G, S121G, S87G.
Identifiers: ClinVar variation 2855014 (VCV002855014.3), dbSNP rs1249811179, ClinGen allele CA347716299.